The following is an entry in ClinVar:

ClinVar aggregate classification (germline): Pathogenic/Likely pathogenic. Review status: criteria provided, multiple submitters, no conflicts (2 of 4 stars). 9 submissions from 9 submitters: Pathogenic (1); Likely pathogenic (6). 2 of the submissions do not count toward it. Last evaluated 2025-04-21.

Conditions:
Zellweger spectrum disorders (ZS). Also called: Zellweger Spectrum; Zellweger syndrome; Zellweger Spectrum Disorder (ZSD); Zellweger Spectrum Disorder. Identifiers: Orphanet 912, MedGen C0043459, MONDO:0019609.
PEX6-related disorder. Also called: PEX6-related condition; PEX6-related disorders.
Heimler syndrome 2 (HMLR2). Also called: PEROXISOME BIOGENESIS DISORDER 4C. Identifiers: Orphanet 3220, MedGen C4225267, OMIM 616617, MONDO:0014709.
Peroxisome biogenesis disorder 4A (Zellweger) (PBD4A). Also called: Zellweger syndrome spectrum (PEX6-related). Identifiers: Orphanet 912, MedGen C3553936, MONDO:0013930, OMIM 614862. Disease mechanism: loss of function.
Peroxisome biogenesis disorder. Identifiers: Orphanet 79189, MedGen C1832200, MONDO:0019234. Disease mechanism: loss of function.

Allele frequency attached by ClinVar (database versions not stated): TOPMed below 0.00001; gnomAD 0.00001; gnomAD exomes 0.00002.
gnomAD v4.1: 29 of 1,612,226 alleles (0.0018%); highest among the groups gnomAD compares: Non-Finnish European, 0.0024%; no homozygotes.

Submissions (9):

Natera, Inc.
Classification: Likely pathogenic for Zellweger syndrome. Last evaluated: 2025-04-21. Review status: criteria provided, single submitter. Criteria: Natera Variant Classification Schema (03/2026). Collection method: clinical testing. Allele origin: germline.
Comment: The c.1801C>T variant in PEX6 is a missense variant predicted to cause substitution of arginine to tryptophan at amino acid 601. This variant is rare in the general population with a frequency below the threshold expected for the associated phenotype(s). This variant has been observed in one or more individuals affected with the associated recessive disease, as either homozygous or compound heterozygous with a second variant (PMID: 26700162, 19877282). A different variant at the same position has been determined to be Pathogenic or Likely Pathogenic. Computational prediction algorithms indicate this variant is likely to affect gene or protein function. Given the available evidence, this variant is classified as Likely Pathogenic.

Blueprint Genetics
Classification: Likely pathogenic for PEX6-related disorders. Last evaluated: 2024-07-04. Review status: criteria provided, single submitter. Criteria: ACMG Guidelines, 2015. Collection method: clinical testing. Allele origin: germline. Affected: yes. Observed: 5 variant alleles.

Victorian Clinical Genetics Services, Murdoch Childrens Research Institute
Classification: Pathogenic for Peroxisome biogenesis disorder 4A (Zellweger). Last evaluated: 2023-07-17. Review status: criteria provided, single submitter. Criteria: ACMG Guidelines, 2015. Collection method: clinical testing. Allele origin: germline. Inheritance: Autosomal recessive inheritance. Affected: yes.
Comment: Based on the classification scheme VCGS_Germline_v1.3.4, this variant is classified as Pathogenic. Following criteria are met: 0102 - Loss of function is a known mechanism of disease in this gene and is associated with peroxisome biogenesis disorder 4B (MIM#614863), Heimler syndrome 2 (MIM#616617) and peroxisome biogenesis disorder 4A (Zellweger) (MIM#614862). (I) 0108 - This gene is associated with both recessive and dominant disease. A recurrent variant p.(Arg860Trp) is associated with autosomal dominant peroxisome biogenesis disorder 4B (PMID: 29220678). In addition, Heimler syndrome 2 is milder due to one allele encoding for a protein with residual function (OMIM). (I) 0200 - Variant is predicted to result in a missense amino acid change from arginine to tryptophan. (I) 0251 - This variant is heterozygous. (I) 0304 - Variant is present in gnomAD <0.01 for a recessive condition (v2: 5 heterozygotes, 0 homozygotes). (SP) 0309 - An alternative amino acid change at the same position has been observed in gnomAD (v2: 807 heterozygotes, 7 homozygotes). (I) 0501 - Missense variant consistently predicted to be damaging by multiple in silico tools or highly conserved with a major amino acid change. (SP) 0604 - Variant is not located in an established domain, motif, hotspot or informative constraint region. (I) 0704 - Another missense variant comparable to the one identified in this case has limited previous evidence for pathogenicity. p.(Arg601Gln) has been reported in compound heterozygous state in Heimler syndrome families and individuals described to have Zellweger syndrome spectrum (ZSS; PMID: 19105186, 19877282, 31831025). With seven homozygotes in gnomAD, it is likely that this variant is a hypomorphic allele as described in ClinVar, where classifications for this variant are conflicting. (SP) 0801 - This variant has strong previous evidence of pathogenicity in unrelated individuals. It has been reported in three individuals described to have ZSS, one of whom was compound heterozygous with p.(Val788Met) (PMID: 19877282, 30793331, 26700162). An additional ZSS individual was described to be heterozygous, with the second allele unspecified (PMID: 19877282). It has also been classified twice as likely pathogenic and once as a VUS by diagnostic laboratories in ClinVar. (SP) 0905 - No published segregation evidence has been identified for this variant. (I) 1007 - No published functional evidence has been identified for this variant. (I) 1201 - Heterozygous variant detected in trans with a second pathogenic heterozygous variant (NM_000287.3(PEX6):c.2362G>A; p.(Val788Met)) in a recessive disease. (I) Legend: (SP) - Supporting pathogenic, (I) - Information, (SB) - Supporting benign

GeneDx
Classification: Likely pathogenic. Last evaluated: 2023-04-05. Review status: criteria provided, single submitter. Criteria: GeneDx Variant Classification Process June 2021. Collection method: clinical testing. Allele origin: germline. Affected: yes.
Comment: Not observed at significant frequency in large population cohorts (gnomAD); In silico analysis supports that this missense variant has a deleterious effect on protein structure/function; This variant is associated with the following publications: (PMID: 26287655, 27469511, 28857144, 30793331, 28559085, 19877282, 26700162)

Baylor Genetics
Classification: Likely pathogenic for Heimler syndrome 2. Last evaluated: 2023-01-03. Review status: criteria provided, single submitter. Criteria: ACMG Guidelines, 2015. Collection method: clinical testing. Allele origin: unknown.

Illumina Laboratory Services, Illumina
Classification: Likely pathogenic for Peroxisome biogenesis disorder 4A (Zellweger). Last evaluated: 2017-04-28. Review status: criteria provided, single submitter. Criteria: ICSL Variant Classification Criteria 09 May 2019. Collection method: clinical testing. Allele origin: germline.
Comment: The PEX6 c.1801C>T (p.Arg601Trp) missense variant has been reported in three studies and was found in a total of four individuals with Zellweger syndrome, including one who was homozygous for the variant, two who were compound heterozyous, and one who carried the variant in a heterozygous state with another missense variant with unspecified zygosity (Ebberink et al. 2010; Berendse et al. 2016; LÃ¼sebrink et al. 2016). Frequency information for the p.Arg601Trp variant is not available from the 1000 Genomes Project, the Exome Sequencing Project or the Exome Aggregation Consortium, and it was reported to be absent from 200 control chromosomes (Ebberink et al. 2010). Based on the evidence, the p.Arg601Trp variant is classified as likely pathogenic for Zellweger syndrome. This variant was observed by ICSL as part of a predisposition screen in an ostensibly healthy population.

3billion
Classification: Likely pathogenic for Peroxisome biogenesis disorder 4A (Zellweger). Review status: criteria provided, single submitter. Criteria: ACMG Guidelines, 2015. Collection method: clinical testing. Allele origin: unknown. Affected: yes. Observed: 1 heterozygote.
Comment: The variant is observed at an extremely low frequency in the gnomAD v2.1.1 dataset (total allele frequency: 0.002%). In silico tool predictions suggest damaging effect of the variant on gene or gene product (REVEL: 0.87; 3Cnet: 0.03). Same nucleotide change resulting in same amino acid change has been previously reported as pathogenic/likely pathogenic with strong evidence (ClinVar ID: VCV000632484 / PMID: 19877282). A different missense change at the same codon (p.Arg601Gln) has been reported as pathogenic/likely pathogenic with strong evidence (ClinVar ID: VCV000198709 / PMID: 19105186). Therefore, this variant is classified as Likely pathogenic according to the recommendation of ACMG/AMP guideline.

PreventionGenetics, part of Exact Sciences
Classification: Pathogenic for PEX6-related condition. Last evaluated: 2024-02-12. Review status: no assertion criteria provided. Collection method: clinical testing. Allele origin: germline. Not counted in ClinVar's aggregate classification.
Comment: The PEX6 c.1801C>T variant is predicted to result in the amino acid substitution p.Arg601Trp. This variant has been reported in patients with Zellweger syndrome (Ebberink et al. 2010. PubMed ID: 19877282; Berendse et al. 2016. PubMed ID: 26287655). An alternative nucleotide change affecting the same amino acid (c.1802G>A, p.Arg601Gln) has also been reported in individuals with Zellweger or Heimler syndrome (see for example, Yik et al. 2009. PubMed ID: 19105186; Tran et al. 2014. PubMed ID: 25079577; Wangtiraumnuay et al. 2018. PubMed ID: 29676688). This variant is reported in 0.0045% of alleles in individuals of European (Non-Finnish) descent in gnomAD. This variant is interpreted as pathogenic.

Labcorp Genetics (formerly Invitae), Labcorp
Classification: Uncertain significance for Peroxisome biogenesis disorder. Last evaluated: 2022-05-29. Review status: flagged submission. Criteria: Invitae Variant Classification Sherloc (09022015). Collection method: clinical testing. Allele origin: germline. Not counted in ClinVar's aggregate classification.
Comment: This sequence change replaces arginine, which is basic and polar, with tryptophan, which is neutral and slightly polar, at codon 601 of the PEX6 protein (p.Arg601Trp). This variant is present in population databases (rs61753225, gnomAD 0.005%). This missense change has been observed in individual(s) with Zellweger spectrum disorde (PMID: 26287655). ClinVar contains an entry for this variant (Variation ID: 632484). Algorithms developed to predict the effect of missense changes on protein structure and function (SIFT, PolyPhen-2, Align-GVGD) all suggest that this variant is likely to be disruptive. In summary, the available evidence is currently insufficient to determine the role of this variant in disease. Therefore, it has been classified as a Variant of Uncertain Significance.
ClinVar note: Notes: Claim is missing evidence from a number of articles cited by other labs.
ClinVar note: Reason: Outlier claim with insufficient supporting evidence

Literature cited by the submitters: PubMed 26700162 (cited by 3 submitters); PubMed 19877282 (cited by 4 submitters); PubMed 19105186 (cited by Victorian Clinical Genetics Services, Murdoch Childrens Research Institute and 3billion); PubMed 29220678 (cited by Victorian Clinical Genetics Services, Murdoch Childrens Research Institute); PubMed 30793331 (cited by Victorian Clinical Genetics Services, Murdoch Childrens Research Institute); PubMed 31831025 (cited by Victorian Clinical Genetics Services, Murdoch Childrens Research Institute); PubMed 26287655 (cited by Illumina Laboratory Services, Illumina and Labcorp Genetics (formerly Invitae), Labcorp).

NM_000287.4(PEX6):c.1801C>T (p.Arg601Trp)

Gene: PEX6 (peroxisomal biogenesis factor 6; minus strand). Cytogenetic location: 6p21.1.
Variant type: single nucleotide variant.
Coding change: c.1801C>T on transcript NM_000287.4 (MANE Select); coding-DNA position 1801, C replaced by T.
Protein change: p.Arg601Trp; replaces arginine 601 with tryptophan.
Molecular consequence: missense variant. On other transcripts: non-coding transcript variant (1).
Genome position (GRCh38, 1-based): chr6:42,967,451, G>A on the plus strand (C>T on the coding strand, the complement: PEX6 is on the minus strand). VCF-style: chr6-42967451-G-A. GRCh37 (hg19) VCF-style: chr6-42935189-G-A.
Other names: c.1537C>T, p.Arg513Trp (NM_001316313.2); short protein forms R601W, R513W.
Identifiers: ClinVar variation 632484 (VCV000632484.17), dbSNP rs61753225, ClinGen allele CA138224585.